The following is an entry in ClinVar:

ClinVar aggregate classification (germline): Conflicting classifications of pathogenicity. Review status: criteria provided, conflicting classifications (1 of 4 stars). 2 submissions from 2 submitters: Likely pathogenic (1); Uncertain significance (1). Last evaluated 2026-08-24.

Conditions:
Trichothiodystrophy. Identifiers: Orphanet 33364, MedGen C1955934, MONDO:0018053.
ERCC2-related disorder. Also called: ERCC2-related conditions; ERCC2-related condition; ERCC2-related disorders. Identifiers: MedGen CN239291.

Submissions (2):

Myriad Genetics, Inc.
Classification: Uncertain significance for ERCC2-related disorder. Last evaluated: 2026-08-24. Review status: criteria provided, single submitter. Criteria: Myriad Autosomal Dominant, Autosomal Recessive and X-Linked Classification Criteria (2023). Collection method: clinical testing. Allele origin: unknown.
Comment: NM_000400.3(ERCC2):c.1636G>A(E546K) is a missense variant classified as a variant of uncertain significance in the context of ERCC2-related disorders. E546K has not been observed in cases with relevant disease. Relevant functional assessments of this variant are not available in the literature. E546K has been observed in referenced population frequency databases. In summary, there is insufficient evidence to classify NM_000400.3(ERCC2):c.1636G>A(E546K) as pathogenic or benign. Please note: this variant was assessed in the context of healthy population screening.

Genomic Research Center, Shahid Beheshti University of Medical Sciences
Classification: Likely pathogenic for Trichothiodystrophy. Last evaluated: 2019-01-01. Review status: criteria provided, single submitter. Criteria: ACMG Guidelines, 2015. Collection method: clinical testing. Allele origin: unknown. Affected: no. Observed: 1 variant allele.

NM_000400.4(ERCC2):c.1636G>A (p.Glu546Lys)

Gene: ERCC2 (ERCC excision repair 2, TFIIH core complex helicase subunit; minus strand). Cytogenetic location: 19q13.32.
Variant type: single nucleotide variant.
Coding change: c.1636G>A on transcript NM_000400.4 (MANE Select); coding-DNA position 1636, G replaced by A.
Protein change: p.Glu546Lys; replaces glutamic acid 546 with lysine.
Molecular consequence: missense variant.
Genome position (GRCh38, 1-based): chr19:45,354,759, C>T on the plus strand (G>A on the coding strand, the complement: ERCC2 is on the minus strand). VCF-style: chr19-45354759-C-T. GRCh37 (hg19) VCF-style: chr19-45858017-C-T.
Other names: short protein forms E546K.
Identifiers: ClinVar variation 634549 (VCV000634549.5), dbSNP rs769146546, ClinGen allele CA9513181.
Genomic context (GRCh38, chr19:45,354,759, plus strand): 5'-GCAGGTGCAGGGAGGGGGTGGCCAGGCGTACCTGCTCATACCAGGAGGCCACGGTGCTCT[C>T]CATGTACTGGTAGCTGGTGAAGAAGGCCACGATGCCATCAGGGACCACAGCGGACATCTC-3'
Protein context (NP_000391.1, residues 536-556): VAFFTSYQYM[Glu546Lys]STVASWYEQG